The following is an entry in ClinVar:

ClinVar aggregate classification (germline): Conflicting classifications of pathogenicity. Review status: criteria provided, conflicting classifications (1 of 4 stars). 3 submissions from 3 submitters: Uncertain significance (2); Likely benign (1). Last evaluated 2025-09-10.

Conditions:
Treacher Collins syndrome 1 (TCS1). Also called: TCOF1-Related Treacher Collins Syndrome. Identifiers: Orphanet 861, MedGen CN315775, MONDO:0007944, OMIM 154500.
Inborn genetic diseases. Identifiers: MedGen C0950123, MeSH D030342.

Allele frequency attached by ClinVar (database versions not stated): gnomAD exomes below 0.00001; ExAC 0.00001.
gnomAD v4.1: 6 of 1,614,210 alleles (0.00037%); highest among the groups gnomAD compares: Non-Finnish European, 0.00051%; no homozygotes.

Submissions (3):

Ambry Genetics
Classification: Likely benign for Inborn genetic diseases. Last evaluated: 2025-09-10. Review status: criteria provided, single submitter. Criteria: Ambry Variant Classification Scheme 2023. Collection method: clinical testing. Allele origin: germline.

Labcorp Genetics (formerly Invitae), Labcorp
Classification: Uncertain significance for Treacher Collins syndrome 1. Last evaluated: 2023-10-17. Review status: criteria provided, single submitter. Criteria: Invitae Variant Classification Sherloc (09022015). Collection method: clinical testing. Allele origin: germline.
Comment: This sequence change replaces glycine, which is neutral and non-polar, with glutamic acid, which is acidic and polar, at codon 933 of the TCOF1 protein (p.Gly933Glu). This variant is present in population databases (rs747005979, gnomAD 0.0009%). This variant has not been reported in the literature in individuals affected with TCOF1-related conditions. ClinVar contains an entry for this variant (Variation ID: 2499358). Advanced modeling of protein sequence and biophysical properties (such as structural, functional, and spatial information, amino acid conservation, physicochemical variation, residue mobility, and thermodynamic stability) performed at Invitae indicates that this missense variant is not expected to disrupt TCOF1 protein function. In summary, the available evidence is currently insufficient to determine the role of this variant in disease. Therefore, it has been classified as a Variant of Uncertain Significance.

GeneDx
Classification: Uncertain significance. Last evaluated: 2022-10-14. Review status: criteria provided, single submitter. Criteria: GeneDx Variant Classification Process June 2021. Collection method: clinical testing. Allele origin: germline. Affected: yes.
Comment: In silico analysis supports that this missense variant does not alter protein structure/function; Has not been previously published as pathogenic or benign to our knowledge

NM_001371623.1(TCOF1):c.2798G>A (p.Gly933Glu)

Gene: TCOF1 (treacle ribosome biogenesis factor 1; plus strand). Cytogenetic location: 5q32.
Variant type: single nucleotide variant.
Coding change: c.2798G>A on transcript NM_001371623.1 (MANE Select); coding-DNA position 2798, G replaced by A.
Protein change: p.Gly933Glu; replaces glycine 933 with glutamic acid.
Molecular consequence: missense variant.
Genome position (GRCh38, 1-based): chr5:150,379,671, G>A. VCF-style: chr5-150379671-G-A. GRCh37 (hg19) VCF-style: chr5-149759234-G-A.
Other names: c.2567G>A, p.Gly856Glu (NM_000356.4, NM_001135245.2); c.2798G>A, p.Gly933Glu (NM_001008657.3, NM_001135243.2, NM_001135244.2 and 1 more transcripts); short protein forms G856E, G933E.
Identifiers: ClinVar variation 2499358 (VCV002499358.5), dbSNP rs747005979, ClinGen allele CA3511270.